The following is an entry in ClinVar:

ClinVar aggregate classification (germline): Benign/Likely benign. Review status: criteria provided, multiple submitters, no conflicts (2 of 4 stars). 3 submissions from 3 submitters: Benign (1); Likely benign (1). 1 of the submissions does not count toward it. Last evaluated 2026-01-06.

Conditions:
SAMD11-related disorder. Also called: SAMD11-related condition.

Allele frequency attached by ClinVar (database versions not stated): gnomAD 0.00032 and 0.00051; TOPMed 0.00038; gnomAD exomes 0.00048 and 0.00080; ExAC 0.00102; 1000 Genomes Project 30x 0.00219; 1000 Genomes Project 0.00280.
gnomAD v4.1: 780 of 1,556,490 alleles (0.05%); highest among the groups gnomAD compares: East Asian, 1.4%; 8 homozygotes.

Submissions (3):

Labcorp Genetics (formerly Invitae), Labcorp
Classification: Benign. Last evaluated: 2026-01-06. Review status: criteria provided, single submitter. Criteria: Invitae Variant Classification Sherloc (09022015). Collection method: clinical testing. Allele origin: germline.

Blueprint Genetics
Classification: Likely benign. Last evaluated: 2024-11-01. Review status: criteria provided, single submitter. Criteria: ACMG Guidelines, 2015. Collection method: clinical testing. Allele origin: germline.

PreventionGenetics, part of Exact Sciences
Classification: Benign for SAMD11-related condition. Last evaluated: 2019-07-31. Review status: no assertion criteria provided. Collection method: clinical testing. Allele origin: germline. Not counted in ClinVar's aggregate classification.
Comment: This variant is classified as benign based on ACMG/AMP sequence variant interpretation guidelines (Richards et al. 2015 PMID: 25741868, with internal and published modifications).

NM_001385641.1(SAMD11):c.620G>A (p.Arg207Gln)

Gene: SAMD11 (sterile alpha motif domain containing 11; plus strand). Cytogenetic location: 1p36.33.
Variant type: single nucleotide variant.
Coding change: c.620G>A on transcript NM_001385641.1 (MANE Select); coding-DNA position 620, G replaced by A.
Protein change: p.Arg207Gln; replaces arginine 207 with glutamine.
Molecular consequence: missense variant.
Genome position (GRCh38, 1-based): chr1:930,165, G>A. VCF-style: chr1-930165-G-A. GRCh37 (hg19) VCF-style: chr1-865545-G-A.
Other names: c.620G>A, p.Arg207Gln (NM_001385640.1); c.83G>A, p.Arg28Gln (NM_152486.4); c.83G>A (NM_152486.2); short protein forms R207Q, R28Q.
Identifiers: ClinVar variation 1164676 (VCV001164676.12), dbSNP rs201186828, ClinGen allele CA502418.
Genomic context (GRCh38, chr1:930,165, plus strand): 5'-CCCACCTTCCTCTCCTCCTGCCCCACCTTCCTCTCCTCCTGCCCCACCAGAACCGGGGGC[G>A]GCTGGCAGACAAGAGGACAGTCGCCCTGCCTGCCGCCCGGAACCTGAAGAAGGAGCGAAC-3'
Protein context (NP_001372570.1, residues 197-217): CRISSPVNRG[Arg207Gln]LADKRTVALP